The following is an entry in ClinVar:

ClinVar aggregate classification (germline): Uncertain significance. Review status: criteria provided, multiple submitters, no conflicts (2 of 4 stars). 3 submissions from 3 submitters: Uncertain significance (3). Last evaluated 2025-11-01.

Conditions:
Tuberous sclerosis syndrome (TSC). Also called: Tuberous Sclerosis Complex; Tuberous sclerosis. Identifiers: Orphanet 805, MedGen C0041341, MONDO:0001734.
Tuberous sclerosis 1 (TSC1). Identifiers: Orphanet 805, MedGen C1854465, MONDO:0008612, OMIM 191100.
Hereditary cancer-predisposing syndrome. Also called: Neoplastic Syndromes, Hereditary; Hereditary Cancer Syndrome; Hereditary neoplastic syndrome; Tumor predisposition. Identifiers: Orphanet 140162, MedGen C0027672, MeSH D009386, MONDO:0015356.

Allele frequency attached by ClinVar (database versions not stated): gnomAD exomes below 0.00001.
gnomAD v4.1: 4 of 1,614,098 alleles (0.00025%); highest among the groups gnomAD compares: Non-Finnish European, 0.00034%; no homozygotes.

Submissions (3):

Ambry Genetics
Classification: Uncertain significance for Hereditary cancer-predisposing syndrome. Last evaluated: 2025-11-01. Review status: criteria provided, single submitter. Criteria: Ambry Variant Classification Scheme 2023. Collection method: clinical testing. Allele origin: germline.
Comment: The p.W164L variant (also known as c.491G>T), located in coding exon 4 of the TSC1 gene, results from a G to T substitution at nucleotide position 491. The tryptophan at codon 164 is replaced by leucine, an amino acid with similar properties. This amino acid position is highly conserved in available vertebrate species. In addition, this alteration is predicted to be deleterious by in silico analysis. Since supporting evidence is limited at this time, the clinical significance of this alteration remains unclear.

Labcorp Genetics (formerly Invitae), Labcorp
Classification: Uncertain significance for Tuberous sclerosis 1. Last evaluated: 2025-10-26. Review status: criteria provided, single submitter. Criteria: Invitae Variant Classification Sherloc (09022015). Collection method: clinical testing. Allele origin: germline.
Comment: This sequence change replaces tryptophan, which is neutral and slightly polar, with leucine, which is neutral and non-polar, at codon 164 of the TSC1 protein (p.Trp164Leu). This variant is not present in population databases (gnomAD no frequency). This missense change has been observed in individual(s) with clinical features of TSC1-related conditions (PMID: 21520333). ClinVar contains an entry for this variant (Variation ID: 850016). Invitae Evidence Modeling of protein sequence and biophysical properties (such as structural, functional, and spatial information, amino acid conservation, physicochemical variation, residue mobility, and thermodynamic stability) indicates that this missense variant is not expected to disrupt TSC1 protein function with a negative predictive value of 95%. In summary, the available evidence is currently insufficient to determine the role of this variant in disease. Therefore, it has been classified as a Variant of Uncertain Significance.

All of Us Research Program, National Institutes of Health
Classification: Uncertain significance for Tuberous sclerosis syndrome. Last evaluated: 2024-03-05. Review status: criteria provided, single submitter. Criteria: ACMG Guidelines, 2015. Collection method: clinical testing. Allele origin: germline. Inheritance: Autosomal dominant inheritance. Observed: 1 variant allele, 1 heterozygote.
Comment: This study involves interpretation of variants in research participants for the purpose of population health screening. Participant phenotype was not available at the time of variant classification. Additional details can be found in publication PMID: 35346344, PMCID: PMC8962531

Literature cited by the submitters: PubMed 21520333 (cited by Labcorp Genetics (formerly Invitae), Labcorp).

NM_000368.5(TSC1):c.491G>T (p.Trp164Leu)

Gene: TSC1 (TSC complex subunit 1; minus strand). Cytogenetic location: 9q34.13.
Variant type: single nucleotide variant.
Coding change: c.491G>T on transcript NM_000368.5 (MANE Select); coding-DNA position 491, G replaced by T.
Protein change: p.Trp164Leu; replaces tryptophan 164 with leucine.
Molecular consequence: missense variant.
Genome position (GRCh38, 1-based): chr9:132,923,365, C>A on the plus strand (G>T on the coding strand, the complement: TSC1 is on the minus strand). VCF-style: chr9-132923365-C-A. GRCh37 (hg19) VCF-style: chr9-135798752-C-A.
Other names: c.491G>T, p.Trp164Leu (NM_001162426.2); c.338G>T, p.Trp113Leu (NM_001162427.2); c.128G>T, p.Trp43Leu (NM_001362177.2); short protein forms W164L, W43L, W113L.
Identifiers: ClinVar variation 850016 (VCV000850016.13), dbSNP rs118203387, ClinGen allele CA375373176.
Genomic context (GRCh38, chr9:132,923,365, plus strand): 5'-ATTCACCTCACAGGGCCCAACAGGTATATGAGGAGATCTGTACCTGGTTTCTTCAGGCAC[C>A]ATGATGACAGACGGCCAAAAATGTCAAAGAAATCAAGAAGATGCTGTTTCCCAGACTGTG-3'
Protein context (NP_000359.1, residues 154-174): FFDIFGRLSS[Trp164Leu]CLKKPGHVAE